The following is an entry in ClinVar:

NM_033305.3(VPS13A):c.2734G>A (p.Gly912Arg)

Gene: VPS13A (vacuolar protein sorting 13 homolog A; plus strand). Cytogenetic location: 9q21.2.
Variant type: single nucleotide variant.
Coding change: c.2734G>A on transcript NM_033305.3 (MANE Select); coding-DNA position 2734, G replaced by A.
Protein change: p.Gly912Arg; replaces glycine 912 with arginine.
Molecular consequence: missense variant.
Genome position (GRCh38, 1-based): chr9:77,276,131, G>A. VCF-style: chr9-77276131-G-A. GRCh37 (hg19) VCF-style: chr9-79891047-G-A.
Other names: c.2734G>A, p.Gly912Arg (NM_001018037.2, NM_001018038.3, NM_015186.4); short protein forms G912R.
Identifiers: ClinVar variation 2217905 (VCV002217905.3), dbSNP rs980728315, ClinGen allele CA194373708.

ClinVar aggregate classification (germline): Uncertain significance. Review status: criteria provided, multiple submitters, no conflicts (2 of 4 stars). 2 submissions from 2 submitters: Uncertain significance (2). Last evaluated 2026-04-24.

Conditions:
Inborn genetic diseases. Identifiers: MedGen C0950123, MeSH D030342.

Allele frequency attached by ClinVar (database versions not stated): gnomAD 0.00001; TOPMed 0.00001.
gnomAD v4.1: 1 of 1,613,054 alleles (0.000062%); highest among the groups gnomAD compares: African/African-American, 0.0013%; no homozygotes.

Submissions (2):

GeneDx
Classification: Uncertain significance. Last evaluated: 2026-04-24. Review status: criteria provided, single submitter. Criteria: GeneDx Variant Classification Process June 2021. Collection method: clinical testing. Allele origin: germline.
Comment: Not observed at significant frequency in large population cohorts (gnomAD); In silico analysis suggests that this missense variant does not alter protein structure/function; Has not been previously published as pathogenic or benign to our knowledge

Ambry Genetics
Classification: Uncertain significance for Inborn genetic diseases. Last evaluated: 2021-07-06. Review status: criteria provided, single submitter. Criteria: Ambry Variant Classification Scheme 2023. Collection method: clinical testing. Allele origin: germline.